The following is an entry in ClinVar:

ClinVar aggregate classification (germline): Uncertain significance. Review status: criteria provided, multiple submitters, no conflicts (2 of 4 stars). 3 submissions from 3 submitters: Uncertain significance (2). 1 of the submissions does not count toward it. Last evaluated 2025-11-22.

Conditions:
Hereditary cancer-predisposing syndrome. Also called: Tumor predisposition; Hereditary neoplastic syndrome; Neoplastic Syndromes, Hereditary; Hereditary Cancer Syndrome. Identifiers: Orphanet 140162, MedGen C0027672, MeSH D009386, MONDO:0015356.
Hereditary breast ovarian cancer syndrome. Also called: Hereditary breast and ovarian cancer; Breast and ovarian cancer; Hereditary breast and ovarian cancer syndrome (HBOC); Hereditary breast and/or ovarian cancer syndrome; Hereditary breast and ovarian cancer syndrome; BRCA1- and BRCA2-Associated Hereditary Breast and Ovarian Cancer. Identifiers: Orphanet 145, MedGen C0677776, MeSH D061325, MONDO:0003582. Disease mechanism: loss of function.

Submissions (3):

Ambry Genetics
Classification: Uncertain significance for Hereditary cancer-predisposing syndrome. Last evaluated: 2025-11-22. Review status: criteria provided, single submitter. Criteria: Ambry Variant Classification Scheme 2023. Collection method: clinical testing. Allele origin: germline.
Comment: The p.P3285T variant (also known as c.9853C>A), located in coding exon 26 of the BRCA2 gene, results from a C to A substitution at nucleotide position 9853. The proline at codon 3285 is replaced by threonine, an amino acid with highly similar properties. This amino acid position is conserved. In addition, the in silico prediction for this alteration is inconclusive. Based on the available evidence, the clinical significance of this variant remains unclear.

Labcorp Genetics (formerly Invitae), Labcorp
Classification: Uncertain significance for Hereditary breast ovarian cancer syndrome. Last evaluated: 2024-12-28. Review status: criteria provided, single submitter. Criteria: Invitae Variant Classification Sherloc (09022015). Collection method: clinical testing. Allele origin: germline.
Comment: This sequence change replaces proline, which is neutral and non-polar, with threonine, which is neutral and polar, at codon 3285 of the BRCA2 protein (p.Pro3285Thr). This variant is not present in population databases (gnomAD no frequency). This variant has not been reported in the literature in individuals affected with BRCA2-related conditions. ClinVar contains an entry for this variant (Variation ID: 133740). Invitae Evidence Modeling of protein sequence and biophysical properties (such as structural, functional, and spatial information, amino acid conservation, physicochemical variation, residue mobility, and thermodynamic stability) indicates that this missense variant is not expected to disrupt BRCA2 protein function with a negative predictive value of 95%. In summary, the available evidence is currently insufficient to determine the role of this variant in disease. Therefore, it has been classified as a Variant of Uncertain Significance.

ITMI
No classification provided. Condition: AllHighlyPenetrant. Last evaluated: 2013-09-19. Review status: no classification provided. Collection method: reference population. Allele origin: germline. Not counted in ClinVar's aggregate classification.
Comment: Please see associated publication for description of ethnicities

Literature cited by the submitters: PubMed 24728327 (cited by ITMI).

NM_000059.4(BRCA2):c.9853C>A (p.Pro3285Thr)

Gene: BRCA2 (BRCA2 DNA repair associated; plus strand). Cytogenetic location: 13q13.1.
Variant type: single nucleotide variant.
Coding change: c.9853C>A on transcript NM_000059.4 (MANE Select); coding-DNA position 9853, C replaced by A.
Protein change: p.Pro3285Thr; replaces proline 3285 with threonine.
Molecular consequence: missense variant.
Genome position (GRCh38, 1-based): chr13:32,398,366, C>A. VCF-style: chr13-32398366-C-A. GRCh37 (hg19) VCF-style: chr13-32972503-C-A.
Other names: c.9853C>A (NM_000059.3); short protein forms P3285T.
Identifiers: ClinVar variation 133740 (VCV000133740.10), dbSNP rs587778127, ClinGen allele CA026314.